The following is an entry in ClinVar:

ClinVar aggregate classification (germline): Benign/Likely benign. Review status: criteria provided, multiple submitters, no conflicts (2 of 4 stars). 4 submissions from 4 submitters: Benign (2); Likely benign (2). Last evaluated 2025-08-18.

Allele frequency attached by ClinVar (database versions not stated): gnomAD 0.00083; 1000 Genomes Project 30x 0.00141; 1000 Genomes Project 0.00160; gnomAD exomes 0.00190 and 0.00267; TOPMed 0.00195; ESP Exome Variant Server 0.00231; ExAC 0.00256.
gnomAD v4.1: 3,150 of 1,614,212 alleles (0.2%); highest among the groups gnomAD compares: Middle Eastern, 1%; 17 homozygotes.

Submissions (4):

Genomic Medicine Center of Excellence, King Faisal Specialist Hospital and Research Centre
Classification: Likely benign. Last evaluated: 2025-08-18. Review status: criteria provided, single submitter. Criteria: ACMG Guidelines, 2015. Collection method: clinical testing. Allele origin: germline.

CeGaT Center for Human Genetics Tuebingen
Classification: Likely benign. Last evaluated: 2023-04-01. Review status: criteria provided, single submitter. Criteria: CeGaT Center For Human Genetics Tuebingen Variant Classification Criteria Version 2. Collection method: clinical testing. Allele origin: germline. Affected: yes. Observed: 1 variant allele.
Comment: AHNAK: BP4, BS2

Labcorp Genetics (formerly Invitae), Labcorp
Classification: Benign. Last evaluated: 2019-12-31. Review status: criteria provided, single submitter. Criteria: Invitae Variant Classification Sherloc (09022015). Collection method: clinical testing. Allele origin: germline.

Breakthrough Genomics
Classification: Benign. Review status: criteria provided, single submitter. Criteria: ACMG Guidelines, 2015. Collection method: not provided. Allele origin: germline. Inheritance: Unknown mechanism. Affected: yes.

NM_001620.3(AHNAK):c.16487G>A (p.Gly5496Glu)

Gene: AHNAK (AHNAK nucleoprotein; minus strand). Cytogenetic location: 11q12.3.
Variant type: single nucleotide variant.
Coding change: c.16487G>A on transcript NM_001620.3 (MANE Select); coding-DNA position 16487, G replaced by A.
Protein change: p.Gly5496Glu; replaces glycine 5496 with glutamic acid.
Molecular consequence: missense variant. On other transcripts: intron variant (1).
Genome position (GRCh38, 1-based): chr11:62,517,930, C>T on the plus strand (G>A on the coding strand, the complement: AHNAK is on the minus strand). VCF-style: chr11-62517930-C-T. GRCh37 (hg19) VCF-style: chr11-62285402-C-T.
Other names: c.16487G>A, p.Gly5496Glu (NM_001346445.2, NM_001346446.2); c.342+17073G>A (NM_024060.4); short protein forms G5496E.
Identifiers: ClinVar variation 781958 (VCV000781958.30), dbSNP rs141151380, ClinGen allele CA6043850.